The following is an entry in ClinVar:

ClinVar aggregate classification (germline): Benign (1 of 4 stars; one submission).

Submission:

Women's Health and Genetics/Laboratory Corporation of America, LabCorp
Classification: Benign. Last evaluated: 2023-12-14. Review status: criteria provided, single submitter. Criteria: LabCorp Variant Classification Summary - May 2015. Collection method: clinical testing. Allele origin: germline.
Comment: Variant summary: MESP2 c.558_573delinsAGGA (p.Gln202_Gly205del) results in an in-frame deletion that is predicted to remove four amino acids from the encoded protein locateded in a repeat region, where repeat expansions are not a common mechanism of disease. This region is reported as a low complexity region in gnomad, where a variant resulting in the same amino acid consequence is reported at a frequency of 52% (15-90320134-AGGGCAGGGGCAG-A). To our knowledge, no occurrence of c.558_573delinsAGGA in individuals affected with Spondylocostal Dysostosis 2 and no experimental evidence demonstrating its impact on protein function have been reported. No submitters have cited clinical-significance assessments for this variant to ClinVar after 2014. Based on the evidence outlined above, the variant was classified as benign.

NM_001039958.2(MESP2):c.558_573delinsAGGA (p.180QG[11])

Gene: MESP2 (mesoderm posterior bHLH transcription factor 2; plus strand). Cytogenetic location: 15q26.1.
Variant type: Indel.
Coding change: c.558_573delinsAGGA on transcript NM_001039958.2 (MANE Select); coding-DNA positions 558 to 573, GGGGCAGGGGCAAGGG replaced by AGGA.
Protein change: p.180QG[11].
Molecular consequence: inframe deletion.
Genome position (GRCh38, 1-based): chr15:89,776,915-89,776,930, GGGGCAGGGGCAAGGG replaced by AGGA. VCF-style: chr15-89776915-GGGGCAGGGGCAAGGG-AGGA. GRCh37 (hg19) VCF-style: chr15-90320146-GGGGCAGGGGCAAGGG-AGGA.
Identifiers: ClinVar variation 2691693 (VCV002691693.1), dbSNP rs1185943194, ClinGen allele CA2697549293.